The following is an entry in ClinVar:

ClinVar aggregate classification (germline): Uncertain significance (1 of 4 stars; one submission).

Conditions:
Early Myoclonic Encephalopathy. Identifiers: MedGen C0270855.

Submission:

Labcorp Genetics (formerly Invitae), Labcorp
Classification: Uncertain significance for Early Myoclonic Encephalopathy. Last evaluated: 2024-05-08. Review status: criteria provided, single submitter. Criteria: Invitae Variant Classification Sherloc (09022015). Collection method: clinical testing. Allele origin: germline.
Comment: This sequence change falls in intron 4 of the JMJD1C gene. It does not directly change the encoded amino acid sequence of the JMJD1C protein. It affects a nucleotide within the consensus splice site. This variant is not present in population databases (gnomAD no frequency). This variant has not been reported in the literature in individuals affected with JMJD1C-related conditions. Variants that disrupt the consensus splice site are a relatively common cause of aberrant splicing (PMID: 17576681, 9536098). Algorithms developed to predict the effect of sequence changes on RNA splicing suggest that this variant is not likely to affect RNA splicing. In summary, the available evidence is currently insufficient to determine the role of this variant in disease. Therefore, it has been classified as a Variant of Uncertain Significance.

Literature cited by the submitters: PubMed 17576681; PubMed 9536098.

NM_032776.3(JMJD1C):c.553+5C>T

Gene: JMJD1C (jumonji domain containing 1C; minus strand). Cytogenetic location: 10q21.3.
Variant type: single nucleotide variant.
Coding change: c.553+5C>T on transcript NM_032776.3 (MANE Select); 5 bases into the intron after coding-DNA position 553, C replaced by T.
Molecular consequence: intron variant.
Genome position (GRCh38, 1-based): chr10:63,219,873, G>A on the plus strand (C>T on the coding strand, the complement: JMJD1C is on the minus strand). VCF-style: chr10-63219873-G-A. GRCh37 (hg19) VCF-style: chr10-64979633-G-A.
Other names: c.-104-2542C>T (NM_001322258.2, NM_001322254.2); c.7+5C>T (NM_001318154.2, NM_001282948.2); c.439+5C>T (NM_001322252.2); c.-316+5C>T (NM_001318153.2).
Identifiers: ClinVar variation 3652646 (VCV003652646.2).
Genomic context (GRCh38, chr10:63,219,873, plus strand): 5'-CAAAAACAAATATGATAAGTTGCCTAGATCCAAAAAAATTTAATGCATAACTTCAAAATA[G>A]TTACCTTGCATAAAAATCTCCTGAACCTTTTGTTCCTTTACCCAGACTTTCACTTCCTCA-3'